The following is an entry in ClinVar:

ClinVar aggregate classification (germline): Pathogenic (1 of 4 stars; one submission).

Submission:

Labcorp Genetics (formerly Invitae), Labcorp
Classification: Pathogenic. Last evaluated: 2022-05-18. Review status: criteria provided, single submitter. Criteria: Invitae Variant Classification Sherloc (09022015). Collection method: clinical testing. Allele origin: germline.
Comment: This sequence change replaces glycine, which is neutral and non-polar, with cysteine, which is neutral and slightly polar, at codon 603 of the COL4A5 protein (p.Gly603Cys). This variant is not present in population databases (gnomAD no frequency). This missense change has been observed in individual(s) with Alport syndrome (PMID: 28780565). Advanced modeling of protein sequence and biophysical properties (such as structural, functional, and spatial information, amino acid conservation, physicochemical variation, residue mobility, and thermodynamic stability) performed at Invitae indicates that this missense variant is expected to disrupt COL4A5 protein function. This variant disrupts the triple helix domain of COL4A5. Glycine residues within the Gly-Xaa-Yaa repeats of the triple helix domain are required for the structure and stability of fibrillar collagens (PMID: 7695699, 8218237, 19344236). In COL4A5, missense variants at these glycine residues are significantly enriched in individuals with disease (PMID: 23720012, 27627812) compared to the general population (ExAC). This variant disrupts the p.Gly603 amino acid residue in COL4A5. Other variant(s) that disrupt this residue have been observed in individuals with COL4A5-related conditions (PMID: 11223851, 28780565, 28844315, 30968591), which suggests that this may be a clinically significant amino acid residue. For these reasons, this variant has been classified as Pathogenic.

Literature cited by the submitters: PubMed 28780565; PubMed 7695699; PubMed 8218237; PubMed 19344236; PubMed 23720012; PubMed 27627812; PubMed 11223851; PubMed 28844315; PubMed 30968591.

NM_033380.3(COL4A5):c.1807G>T (p.Gly603Cys)

Gene: COL4A5 (collagen type IV alpha 5 chain; plus strand). Cytogenetic location: Xq22.3.
Variant type: single nucleotide variant.
Coding change: c.1807G>T on transcript NM_033380.3 (MANE Select); coding-DNA position 1807, G replaced by T.
Protein change: p.Gly603Cys; replaces glycine 603 with cysteine.
Molecular consequence: missense variant.
Genome position (GRCh38, 1-based): chrX:108,598,729, G>T. VCF-style: chrX-108598729-G-T. GRCh37 (hg19) VCF-style: chrX-107841959-G-T.
Other names: c.1807G>T, p.Gly603Cys (NM_000495.5); short protein forms G603C.
Identifiers: ClinVar variation 2138694 (VCV002138694.4), dbSNP rs1603290681, ClinGen allele CA413845660.